The following is an entry in ClinVar:

NM_181882.3(PRX):c.3737A>G (p.Lys1246Arg)

Gene: PRX (periaxin; minus strand). Cytogenetic location: 19q13.2.
Variant type: single nucleotide variant.
Coding change: c.3737A>G on transcript NM_181882.3 (MANE Select); coding-DNA position 3737, A replaced by G.
Protein change: p.Lys1246Arg; replaces lysine 1246 with arginine.
Molecular consequence: missense variant. On other transcripts: 3 prime UTR variant (1).
Genome position (GRCh38, 1-based): chr19:40,394,615, T>C on the plus strand (A>G on the coding strand, the complement: PRX is on the minus strand). VCF-style: chr19-40394615-T-C. GRCh37 (hg19) VCF-style: chr19-40900522-T-C.
Other names: c.*3942A>G (NM_020956.2); short protein forms K1246R.
Identifiers: ClinVar variation 1008061 (VCV001008061.8), dbSNP rs2079412467, ClinGen allele CA405892434.

ClinVar aggregate classification (germline): Uncertain significance (1 of 4 stars; one submission).

Conditions:
Charcot-Marie-Tooth disease type 4. Also called: Charcot-Marie-Tooth disease, type IV; Charcot-Marie-Tooth, Type 4. Identifiers: Orphanet 64749, MedGen C4082197, MONDO:0018995.

Submission:

Labcorp Genetics (formerly Invitae), Labcorp
Classification: Uncertain significance for Charcot-Marie-Tooth disease type 4. Last evaluated: 2020-08-30. Review status: criteria provided, single submitter. Criteria: Invitae Variant Classification Sherloc (09022015). Collection method: clinical testing. Allele origin: germline.
Comment: In summary, the available evidence is currently insufficient to determine the role of this variant in disease. Therefore, it has been classified as a Variant of Uncertain Significance. Algorithms developed to predict the effect of missense changes on protein structure and function (SIFT, PolyPhen-2, Align-GVGD) all suggest that this variant is likely to be disruptive, but these predictions have not been confirmed by published functional studies and their clinical significance is uncertain. This variant has not been reported in the literature in individuals with PRX-related conditions. This variant is not present in population databases (ExAC no frequency). This sequence change replaces lysine with arginine at codon 1246 of the PRX protein (p.Lys1246Arg). The lysine residue is highly conserved and there is a small physicochemical difference between lysine and arginine.